The following is an entry in ClinVar:

ClinVar aggregate classification (germline): Uncertain significance. Review status: criteria provided, multiple submitters, no conflicts (2 of 4 stars). 2 submissions from 2 submitters: Uncertain significance (2). Last evaluated 2025-11-17.

Conditions:
Hepatic adenomas, familial. Also called: HEPATIC ADENOMA, SOMATIC; LIVER CELL ADENOMAS, FAMILIAL. Identifiers: MedGen C1840646, MONDO:0007718, OMIM 142330.
Diabetes mellitus type 1 (T1D). Also called: Type I diabetes mellitus; Diabetes Mellitus, Juvenile-Onset. Identifiers: MedGen C0011854, MONDO:0005147, OMIM 222100, HP:0100651.
Maturity-onset diabetes of the young type 3. Also called: MODY type 3; MODY, type III. Identifiers: Orphanet 552, MedGen C1838100, MeSH C563933, MONDO:0010894, OMIM 600496. Disease mechanism: loss of function.
Type 1 diabetes mellitus 20 (T1D20). Also called: Diabetes mellitus, insulin-dependent, 20. Identifiers: MedGen C2675866, MONDO:0012919, OMIM 612520.
Nonpapillary renal cell carcinoma. Identifiers: Orphanet 422526, MedGen CN074294, MONDO:0007763, OMIM 144700.
Type 2 diabetes mellitus. Also called: Type II diabetes mellitus. Identifiers: MedGen C0011860, MeSH D003924, MONDO:0005148, OMIM 125853, HP:0005978.

Allele frequency attached by ClinVar (database versions not stated): TOPMed below 0.00001; gnomAD 0.00001.
gnomAD v4.1: 1 of 1,609,262 alleles (0.000062%); highest among the groups gnomAD compares: East Asian, 0.0022%; no homozygotes.

Submissions (2):

Labcorp Genetics (formerly Invitae), Labcorp
Classification: Uncertain significance. Last evaluated: 2025-11-17. Review status: criteria provided, single submitter. Criteria: Invitae Variant Classification Sherloc (09022015). Collection method: clinical testing. Allele origin: germline.
Comment: This sequence change replaces proline, which is neutral and non-polar, with serine, which is neutral and polar, at codon 61 of the HNF1A protein (p.Pro61Ser). This variant is not present in population databases (gnomAD no frequency). This variant has not been reported in the literature in individuals affected with HNF1A-related conditions. ClinVar contains an entry for this variant (Variation ID: 1946469). Invitae Evidence Modeling of protein sequence and biophysical properties (such as structural, functional, and spatial information, amino acid conservation, physicochemical variation, residue mobility, and thermodynamic stability) indicates that this missense variant is not expected to disrupt HNF1A protein function with a negative predictive value of 80%. In summary, the available evidence is currently insufficient to determine the role of this variant in disease. Therefore, it has been classified as a Variant of Uncertain Significance.

Fulgent Genetics
Classification: Uncertain significance for Type 2 diabetes mellitus; Hepatic adenomas, familial; Nonpapillary renal cell carcinoma; Diabetes mellitus type 1; Maturity-onset diabetes of the young type 3; Type 1 diabetes mellitus 20. Last evaluated: 2024-03-10. Review status: criteria provided, single submitter. Criteria: ACMG Guidelines, 2015. Collection method: clinical testing. Allele origin: germline.

NM_000545.8(HNF1A):c.181C>T (p.Pro61Ser)

Gene: HNF1A (HNF1 homeobox A; plus strand). Cytogenetic location: 12q24.31.
Variant type: single nucleotide variant.
Coding change: c.181C>T on transcript NM_000545.8 (MANE Select); coding-DNA position 181, C replaced by T.
Protein change: p.Pro61Ser; replaces proline 61 with serine.
Molecular consequence: missense variant.
Genome position (GRCh38, 1-based): chr12:120,978,949, C>T. VCF-style: chr12-120978949-C-T. GRCh37 (hg19) VCF-style: chr12-121416752-C-T.
Other names: c.181C>T, p.Pro61Ser (NM_001306179.2, NM_001406915.1); short protein forms P61S.
Identifiers: ClinVar variation 1946469 (VCV001946469.6), dbSNP rs1251482432, ClinGen allele CA386953493.